The following is an entry in ClinVar:

NM_001291415.2(KDM6A):c.3407T>C (p.Phe1136Ser)

Gene: KDM6A (lysine demethylase 6A; plus strand). Cytogenetic location: Xp11.3.
Variant type: single nucleotide variant.
Coding change: c.3407T>C on transcript NM_001291415.2 (MANE Select); coding-DNA position 3407, T replaced by C.
Protein change: p.Phe1136Ser; replaces phenylalanine 1136 with serine.
Molecular consequence: missense variant. On other transcripts: non-coding transcript variant (1).
Genome position (GRCh38, 1-based): chrX:45,082,756, T>C. VCF-style: chrX-45082756-T-C. GRCh37 (hg19) VCF-style: chrX-44942001-T-C.
Other names: c.3272T>C, p.Phe1091Ser (NM_001291416.2); c.3116T>C, p.Phe1039Ser (NM_001291417.2); c.3014T>C, p.Phe1005Ser (NM_001291418.2); c.2363T>C, p.Phe788Ser (NM_001291421.2); c.3149T>C, p.Phe1050Ser (NM_001410742.1); c.3251T>C, p.Phe1084Ser (NM_021140.4); short protein forms F1091S, F1005S, F1136S, F1039S, F1050S, F1084S, F788S.
Identifiers: ClinVar variation 1971829 (VCV001971829.5), dbSNP rs1273141883, ClinGen allele CA412803263.

ClinVar aggregate classification (germline): Uncertain significance (1 of 4 stars; one submission).

Conditions:
Kabuki syndrome 2 (KABUK2). Also called: KDM6A-Related Kabuki Syndrome. Identifiers: Orphanet 2322, MedGen C3275495, MONDO:0010465, OMIM 300867.

Allele frequency attached by ClinVar (database versions not stated): TOPMed below 0.00001.
gnomAD v4.1: 2 of 1,202,873 alleles (0.00017%); highest among the groups gnomAD compares: Non-Finnish European, 0.00023%; no homozygotes.

Submission:

Labcorp Genetics (formerly Invitae), Labcorp
Classification: Uncertain significance for Kabuki syndrome 2. Last evaluated: 2022-11-22. Review status: criteria provided, single submitter. Criteria: Invitae Variant Classification Sherloc (09022015). Collection method: clinical testing. Allele origin: germline.
Comment: In summary, the available evidence is currently insufficient to determine the role of this variant in disease. Therefore, it has been classified as a Variant of Uncertain Significance. Algorithms developed to predict the effect of missense changes on protein structure and function (SIFT, PolyPhen-2, Align-GVGD) all suggest that this variant is likely to be disruptive. This variant has not been reported in the literature in individuals affected with KDM6A-related conditions. This variant is not present in population databases (gnomAD no frequency). This sequence change replaces phenylalanine, which is neutral and non-polar, with serine, which is neutral and polar, at codon 1084 of the KDM6A protein (p.Phe1084Ser).